The following is an entry in ClinVar:

NM_001017420.3(ESCO2):c.54-10_54-9del

Gene: ESCO2 (establishment of sister chromatid cohesion N-acetyltransferase 2; plus strand). Cytogenetic location: 8p21.1.
Variant type: Deletion.
Coding change: c.54-10_54-9del on transcript NM_001017420.3 (MANE Select); 10 bases into the intron before coding-DNA position 54 through 9 bases into the intron before coding-DNA position 54, 2 bases deleted (CT; older notation c.54-10_54-9delCT).
Molecular consequence: intron variant.
Genome position (GRCh38, 1-based): chr8:27,776,352-27,776,353, CT deleted; deleting any 2 consecutive bases within chr8:27,776,351-27,776,353 gives the same sequence; the c. name uses the placement nearest the transcript's 3' end. VCF-style (leftmost placement, unchanged base first): chr8-27776350-TTC-T. GRCh37 (hg19) VCF-style: chr8-27633867-TTC-T.
Identifiers: ClinVar variation 1982427 (VCV001982427.1), dbSNP rs1282823941, ClinGen allele CA580674916.

ClinVar aggregate classification (germline): Uncertain significance (1 of 4 stars; one submission).

Submission:

Labcorp Genetics (formerly Invitae), Labcorp
Classification: Uncertain significance. Last evaluated: 2021-09-15. Review status: criteria provided, single submitter. Criteria: Invitae Variant Classification Sherloc (09022015). Collection method: clinical testing. Allele origin: germline.
Comment: This sequence change falls in intron 2 of the ESCO2 gene. It does not directly change the encoded amino acid sequence of the ESCO2 protein. This variant is not present in population databases (ExAC no frequency). This variant has not been reported in the literature in individuals affected with ESCO2-related conditions. Algorithms developed to predict the effect of sequence changes on RNA splicing suggest that this variant may disrupt the consensus splice site. In summary, the available evidence is currently insufficient to determine the role of this variant in disease. Therefore, it has been classified as a Variant of Uncertain Significance.